The following is an entry in ClinVar:

NM_182643.3(DLC1):c.1328T>A (p.Ile443Asn)

Gene: DLC1 (DLC1 Rho GTPase activating protein; minus strand). Cytogenetic location: 8p22.
Variant type: single nucleotide variant.
Coding change: c.1328T>A on transcript NM_182643.3 (MANE Select); coding-DNA position 1328, T replaced by A.
Protein change: p.Ile443Asn; replaces isoleucine 443 with asparagine.
Molecular consequence: missense variant. On other transcripts: 5 prime UTR variant (1).
Genome position (GRCh38, 1-based): chr8:13,305,289, A>T on the plus strand (T>A on the coding strand, the complement: DLC1 is on the minus strand). VCF-style: chr8-13305289-A-T. GRCh37 (hg19) VCF-style: chr8-13162798-A-T.
Other names: c.1328T>A, p.Ile443Asn (NM_001348081.2, NM_001413124.1, NM_001413125.1 and 1 more transcripts); c.-124T>A (NM_001348082.2); short protein forms I443N.
Identifiers: ClinVar variation 4780886 (VCV004780886.1).

ClinVar aggregate classification (germline): Uncertain significance (1 of 4 stars; one submission).

gnomAD v4.1: 3 of 1,606,836 alleles (0.00019%); highest among the groups gnomAD compares: Admixed American, 0.005%; no homozygotes.

Submission:

Labcorp Genetics (formerly Invitae), Labcorp
Classification: Uncertain significance. Last evaluated: 2025-09-29. Review status: criteria provided, single submitter. Criteria: Invitae Variant Classification Sherloc (09022015). Collection method: clinical testing. Allele origin: germline.
Comment: This sequence change replaces isoleucine, which is neutral and non-polar, with asparagine, which is neutral and polar, at codon 443 of the DLC1 protein (p.Ile443Asn). This variant is present in population databases (rs746073915, gnomAD 0.009%). This variant has not been reported in the literature in individuals affected with DLC1-related conditions. An algorithm developed to predict the effect of missense changes on protein structure and function (PolyPhen-2) suggests that this variant is likely to be tolerated. In summary, the available evidence is currently insufficient to determine the role of this variant in disease. Therefore, it has been classified as a Variant of Uncertain Significance.